The following is an entry in ClinVar:

ClinVar aggregate classification (germline): Conflicting classifications of pathogenicity. Review status: criteria provided, conflicting classifications (1 of 4 stars). 3 submissions from 3 submitters: Uncertain significance (1); Likely benign (1). 1 of the submissions does not count toward it. Last evaluated 2025-12-15.

Conditions:
KMT2D-related disorder. Also called: KMT2D-Related Disorders.
Kabuki syndrome. Also called: NIIKAWA-KUROKI SYNDROME; Kabuki make-up syndrome. Identifiers: Orphanet 2322, MedGen C0796004, MONDO:0016512.

Allele frequency attached by ClinVar (database versions not stated): gnomAD exomes 0.00001 and 0.00003; ExAC 0.00003; gnomAD 0.00005 and 0.00006; TOPMed 0.00010; ESP Exome Variant Server 0.00017; 1000 Genomes Project 30x 0.00031; 1000 Genomes Project 0.00040.
gnomAD v4.1: 21 of 1,609,794 alleles (0.0013%); highest among the groups gnomAD compares: African/African-American, 0.025%; no homozygotes.

Submissions (3):

Labcorp Genetics (formerly Invitae), Labcorp
Classification: Likely benign for Kabuki syndrome. Last evaluated: 2025-12-15. Review status: criteria provided, single submitter. Criteria: Invitae Variant Classification Sherloc (09022015). Collection method: clinical testing. Allele origin: germline.

Eurofins Ntd Llc (ga)
Classification: Uncertain significance. Last evaluated: 2015-04-14. Review status: criteria provided, single submitter. Criteria: EGL Classification Definitions 2015. Collection method: clinical testing. Allele origin: germline. Observed: 1 variant allele, 1 heterozygote.

PreventionGenetics, part of Exact Sciences
Classification: Likely benign for KMT2D-related condition. Last evaluated: 2022-06-30. Review status: no assertion criteria provided. Collection method: clinical testing. Allele origin: germline. Not counted in ClinVar's aggregate classification.
Comment: This variant is classified as likely benign based on ACMG/AMP sequence variant interpretation guidelines (Richards et al. 2015 PMID: 25741868, with internal and published modifications).

NM_003482.4(KMT2D):c.6345C>T (p.Ser2115=)

Gene: KMT2D (lysine methyltransferase 2D; minus strand). Cytogenetic location: 12q13.12.
Variant type: single nucleotide variant.
Coding change: c.6345C>T on transcript NM_003482.4 (MANE Select); coding-DNA position 6345, C replaced by T.
Protein change: p.Ser2115=; no amino-acid change (serine 2115 retained).
Molecular consequence: synonymous variant.
Genome position (GRCh38, 1-based): chr12:49,041,425, G>A on the plus strand (C>T on the coding strand, the complement: KMT2D is on the minus strand). VCF-style: chr12-49041425-G-A. GRCh37 (hg19) VCF-style: chr12-49435208-G-A.
Other names: c.6345C>T (NM_003482.3).
Identifiers: ClinVar variation 196687 (VCV000196687.15), dbSNP rs368856357, ClinGen allele CA243755.